The following is an entry in ClinVar:

NM_014391.3(ANKRD1):c.196C>T (p.Arg66Ter)

Gene: ANKRD1 (ankyrin repeat domain 1; minus strand). Cytogenetic location: 10q23.31.
Variant type: single nucleotide variant.
Coding change: c.196C>T on transcript NM_014391.3 (MANE Select); coding-DNA position 196, C replaced by T.
Protein change: p.Arg66Ter; replaces arginine 66 with a stop codon.
Molecular consequence: nonsense.
Genome position (GRCh38, 1-based): chr10:90,920,180, G>A on the plus strand (C>T on the coding strand, the complement: ANKRD1 is on the minus strand). VCF-style: chr10-90920180-G-A. GRCh37 (hg19) VCF-style: chr10-92679937-G-A.
Other names: short protein forms R66*.
Identifiers: ClinVar variation 2721935 (VCV002721935.4), dbSNP rs397517249, ClinGen allele CA5598823.

ClinVar aggregate classification (germline): Uncertain significance. Review status: criteria provided, multiple submitters, no conflicts (2 of 4 stars). 2 submissions from 2 submitters: Uncertain significance (2). Last evaluated 2025-12-12.

Conditions:
ANKRD1-related dilated cardiomyopathy. Identifiers: MedGen CN119551.
Cardiovascular phenotype. Identifiers: MedGen CN230736.

gnomAD v4.1: 12 of 1,613,556 alleles (0.00074%); highest among the groups gnomAD compares: East Asian, 0.0022%; no homozygotes.

Submissions (2):

Ambry Genetics
Classification: Uncertain significance for Cardiovascular phenotype. Last evaluated: 2025-12-12. Review status: criteria provided, single submitter. Criteria: Ambry Variant Classification Scheme 2023. Collection method: clinical testing. Allele origin: germline.
Comment: The p.R66* variant (also known as c.196C>T), located in coding exon 2 of the ANKRD1 gene, results from a C to T substitution at nucleotide position 196. This changes the amino acid from an arginine to a stop codon within coding exon 2. The evidence for this gene-disease relationship is limited; therefore, the clinical significance of this alteration is unclear.

Labcorp Genetics (formerly Invitae), Labcorp
Classification: Uncertain significance for ANKRD1-related dilated cardiomyopathy. Last evaluated: 2024-09-17. Review status: criteria provided, single submitter. Criteria: Invitae Variant Classification Sherloc (09022015). Collection method: clinical testing. Allele origin: germline.
Comment: This sequence change creates a premature translational stop signal (p.Arg66*) in the ANKRD1 gene. It is expected to result in an absent or disrupted protein product. However, the current clinical and genetic evidence is not sufficient to establish whether loss-of-function variants in ANKRD1 cause disease. This variant is present in population databases (rs397517249, gnomAD 0.004%). This variant has not been reported in the literature in individuals affected with ANKRD1-related conditions. In summary, the available evidence is currently insufficient to determine the role of this variant in disease. Therefore, it has been classified as a Variant of Uncertain Significance.